The following is an entry in ClinVar:

NM_016148.5(SHANK1):c.4663del (p.Asp1555fs)

Gene: SHANK1 (SH3 and multiple ankyrin repeat domains 1; minus strand). Cytogenetic location: 19q13.33.
Variant type: Deletion.
Coding change: c.4663del on transcript NM_016148.5 (MANE Select); coding-DNA position 4663, one base deleted (G; older notation c.4663delG).
Protein change: p.Asp1555fs; shifts the reading frame from aspartic acid 1555.
Molecular consequence: frameshift variant.
Genome position (GRCh38, 1-based): chr19:50,667,297, C deleted on the plus strand (G on the coding strand, the reverse complement: SHANK1 is on the minus strand); the first of 2 consecutive C bases (chr19:50,667,297-50,667,298); deleting either gives the same sequence. VCF-style (leftmost placement, unchanged base first): chr19-50667296-TC-T. GRCh37 (hg19) VCF-style: chr19-51170553-TC-T.
Other names: short protein forms D1555fs.
Identifiers: ClinVar variation 3795502 (VCV003795502.1).

ClinVar aggregate classification (germline): Pathogenic (1 of 4 stars; one submission).

Conditions:
Inborn genetic diseases. Identifiers: MedGen C0950123, MeSH D030342.

Submission:

Ambry Genetics
Classification: Pathogenic for Inborn genetic diseases. Last evaluated: 2025-01-07. Review status: criteria provided, single submitter. Criteria: Ambry Variant Classification Scheme 2023. Collection method: clinical testing. Allele origin: germline.
Comment: The c.4663delG (p.D1555Mfs*70) alteration, located in exon 22 (coding exon 22) of the SHANK1 gene, consists of a deletion of one nucleotide at position 4663, causing a translational frameshift with a predicted alternate stop codon after 70 amino acids. This alteration is expected to result in loss of function by premature protein truncation or nonsense-mediated mRNA decay. This variant was not reported in population-based cohorts in the Genome Aggregation Database (gnomAD). Based on the available evidence, this alteration is classified as pathogenic.